The following is an entry in ClinVar:

NM_001376.5(DYNC1H1):c.5594A>C (p.Lys1865Thr)

Gene: DYNC1H1 (dynein cytoplasmic 1 heavy chain 1; plus strand). Cytogenetic location: 14q32.31.
Variant type: single nucleotide variant.
Coding change: c.5594A>C on transcript NM_001376.5 (MANE Select); coding-DNA position 5594, A replaced by C.
Protein change: p.Lys1865Thr; replaces lysine 1865 with threonine.
Molecular consequence: missense variant.
Genome position (GRCh38, 1-based): chr14:102,006,048, A>C. VCF-style: chr14-102006048-A-C. GRCh37 (hg19) VCF-style: chr14-102472385-A-C.
Other names: short protein forms K1865T.
Identifiers: ClinVar variation 2064293 (VCV002064293.4), dbSNP rs146678667, ClinGen allele CA391048713.

ClinVar aggregate classification (germline): Uncertain significance (1 of 4 stars; one submission).

Conditions:
Charcot-Marie-Tooth disease axonal type 2O. Also called: CHARCOT-MARIE-TOOTH NEUROPATHY, AXONAL, TYPE 2O; CHARCOT-MARIE-TOOTH DISEASE, AXONAL, AUTOSOMAL DOMINANT, TYPE 2O; Charcot-Marie-Tooth disease, axonal, type 20; Charcot-Marie-Tooth Neuropathy Type 2O. Identifiers: Orphanet 284232, MedGen C3280220, MONDO:0013644, OMIM 614228.

gnomAD v4.1: 2 of 1,614,216 alleles (0.00012%); highest among the groups gnomAD compares: Admixed American, 0.0033%; no homozygotes.

Submission:

Labcorp Genetics (formerly Invitae), Labcorp
Classification: Uncertain significance for Charcot-Marie-Tooth disease axonal type 2O. Last evaluated: 2022-04-08. Review status: criteria provided, single submitter. Criteria: Invitae Variant Classification Sherloc (09022015). Collection method: clinical testing. Allele origin: germline.
Comment: In summary, the available evidence is currently insufficient to determine the role of this variant in disease. Therefore, it has been classified as a Variant of Uncertain Significance. This sequence change replaces lysine, which is basic and polar, with threonine, which is neutral and polar, at codon 1865 of the DYNC1H1 protein (p.Lys1865Thr). This variant is not present in population databases (gnomAD no frequency). This variant has not been reported in the literature in individuals affected with DYNC1H1-related conditions. Advanced modeling of protein sequence and biophysical properties (such as structural, functional, and spatial information, amino acid conservation, physicochemical variation, residue mobility, and thermodynamic stability) performed at Invitae indicates that this missense variant is not expected to disrupt DYNC1H1 protein function.